The following is an entry in ClinVar:

ClinVar aggregate classification (germline): Likely benign. Review status: criteria provided, multiple submitters, no conflicts (2 of 4 stars). 2 submissions from 2 submitters: Likely benign (2). Last evaluated 2026-08-01.

Conditions:
Cranioectodermal dysplasia 1 (CED1). Also called: LEVIN SYNDROME I. Identifiers: Orphanet 1515, MedGen C0432235, MONDO:0021093, OMIM 218330.

Allele frequency attached by ClinVar (database versions not stated): gnomAD exomes 0.00002; ExAC 0.00005.
gnomAD v4.1: 33 of 1,614,166 alleles (0.002%); highest among the groups gnomAD compares: Admixed American, 0.037%; no homozygotes.

Submissions (2):

CeGaT Center for Human Genetics Tuebingen
Classification: Likely benign. Last evaluated: 2026-08-01. Review status: criteria provided, single submitter. Criteria: CeGaT Center For Human Genetics Tuebingen Variant Classification Criteria Version 2. Collection method: clinical testing. Allele origin: germline. Affected: yes. Observed: 1 variant allele.
Comment: IFT122: BP4, BP7

Labcorp Genetics (formerly Invitae), Labcorp
Classification: Likely benign for Cranioectodermal dysplasia 1. Last evaluated: 2024-04-25. Review status: criteria provided, single submitter. Criteria: Invitae Variant Classification Sherloc (09022015). Collection method: clinical testing. Allele origin: germline.

NM_052989.3(IFT122):c.2331C>T (p.His777=)

Gene: IFT122 (intraflagellar transport 122; plus strand). Cytogenetic location: 3q22.1.
Variant type: single nucleotide variant.
Coding change: c.2331C>T on transcript NM_052989.3 (MANE Select); coding-DNA position 2331, C replaced by T.
Protein change: p.His777=; no amino-acid change (histidine 777 retained).
Molecular consequence: synonymous variant.
Genome position (GRCh38, 1-based): chr3:129,500,024, C>T. VCF-style: chr3-129500024-C-T. GRCh37 (hg19) VCF-style: chr3-129218867-C-T.
Other names: c.2307C>T, p.His769= (NM_001280541.2); c.1881C>T, p.His627= (NM_001280545.2); c.1704C>T, p.His568= (NM_001280546.2); c.2331C>T, p.His777= (NM_001410808.1); c.2277C>T, p.His759= (NM_001410809.1); c.2154C>T, p.His718= (NM_001410810.1, NM_018262.4); c.2100C>T, p.His700= (NM_001410811.1, NM_001410813.1); c.1998C>T, p.His666= (NM_001410815.1, NM_052990.3); and 2 more.
Identifiers: ClinVar variation 2053616 (VCV002053616.5), dbSNP rs774633968, ClinGen allele CA2606474.